The following is an entry in ClinVar:

ClinVar aggregate classification (germline): Uncertain significance (1 of 4 stars; one submission).

Conditions:
Hyperimmunoglobulin D with periodic fever (HIDS). Also called: Hyperimmunoglobulinemia D with periodic fever; Hyperimmunoglobulinemia D; HYPERIMMUNOGLOBULINEMIA D AND PERIODIC FEVER SYNDROME. Identifiers: Orphanet 343, MedGen C0398691, MONDO:0009849, OMIM 260920.
Mevalonic aciduria (MEVA). Identifiers: Orphanet 29, MedGen C1959626, MONDO:0012481, OMIM 610377.
Porokeratosis 3, disseminated superficial actinic type (POROK3). Also called: POROKERATOSIS 3, MULTIPLE TYPES; POROKERATOSIS 3, MIBELLI TYPE; POROKERATOSIS, DISSEMINATED SUPERFICIAL ACTINIC, 1. Identifiers: MedGen C1867981, MONDO:0008293, OMIM 175900.

Allele frequency attached by ClinVar (database versions not stated): gnomAD exomes below 0.00001.
gnomAD v4.1: 1 of 1,614,154 alleles (0.000062%); highest among the groups gnomAD compares: Non-Finnish European, 0.000085%; no homozygotes.

Submission:

Labcorp Genetics (formerly Invitae), Labcorp
Classification: Uncertain significance for Mevalonic aciduria; Hyperimmunoglobulin D with periodic fever; Porokeratosis 3, disseminated superficial actinic type. Last evaluated: 2025-05-04. Review status: criteria provided, single submitter. Criteria: Invitae Variant Classification Sherloc (09022015). Collection method: clinical testing. Allele origin: germline.
Comment: This sequence change replaces isoleucine, which is neutral and non-polar, with asparagine, which is neutral and polar, at codon 164 of the MVK protein (p.Ile164Asn). This variant is not present in population databases (gnomAD no frequency). This variant has not been reported in the literature in individuals affected with MVK-related conditions. ClinVar contains an entry for this variant (Variation ID: 1956087). Invitae Evidence Modeling of protein sequence and biophysical properties (such as structural, functional, and spatial information, amino acid conservation, physicochemical variation, residue mobility, and thermodynamic stability) indicates that this missense variant is expected to disrupt MVK protein function with a positive predictive value of 95%. In summary, the available evidence is currently insufficient to determine the role of this variant in disease. Therefore, it has been classified as a Variant of Uncertain Significance.

NM_000431.4(MVK):c.491T>A (p.Ile164Asn)

Gene: MVK (mevalonate kinase; plus strand). Cytogenetic location: 12q24.11.
Variant type: single nucleotide variant.
Coding change: c.491T>A on transcript NM_000431.4 (MANE Select); coding-DNA position 491, T replaced by A.
Protein change: p.Ile164Asn; replaces isoleucine 164 with asparagine.
Molecular consequence: missense variant. On other transcripts: intron variant (1).
Genome position (GRCh38, 1-based): chr12:109,581,514, T>A. VCF-style: chr12-109581514-T-A. GRCh37 (hg19) VCF-style: chr12-110019319-T-A.
Other names: c.491T>A, p.Ile164Asn (NM_001114185.3, NM_001414511.1, NM_001414512.1 and 1 more transcripts); c.-92T>A (NM_001414515.1); c.371+1568T>A (NM_001301182.2); short protein forms I164N.
Identifiers: ClinVar variation 1956087 (VCV001956087.5), dbSNP rs1566144977, ClinGen allele CA386646403.